The following is an entry in ClinVar:

NM_001556.3(IKBKB):c.1136G>A (p.Gly379Asp)

Gene: IKBKB (inhibitor of nuclear factor kappa B kinase subunit beta; plus strand). Cytogenetic location: 8p11.21.
Variant type: single nucleotide variant.
Coding change: c.1136G>A on transcript NM_001556.3 (MANE Select); coding-DNA position 1136, G replaced by A.
Protein change: p.Gly379Asp; replaces glycine 379 with aspartic acid.
Molecular consequence: missense variant. On other transcripts: non-coding transcript variant (2).
Genome position (GRCh38, 1-based): chr8:42,317,667, G>A. VCF-style: chr8-42317667-G-A. GRCh37 (hg19) VCF-style: chr8-42175185-G-A.
Other names: c.944G>A, p.Gly315Asp (NM_001190720.3); c.959G>A, p.Gly320Asp (NM_001242778.2); short protein forms G315D, G320D, G379D.
Identifiers: ClinVar variation 4802735 (VCV004802735.1).

ClinVar aggregate classification (germline): Uncertain significance (1 of 4 stars; one submission).

Conditions:
Severe combined immunodeficiency due to IKK2 deficiency. Also called: Immunodeficiency 15; IMMUNODEFICIENCY 15B. Identifiers: Orphanet 397787, MedGen C4747743, MONDO:0014267, OMIM 615592.

Submission:

Labcorp Genetics (formerly Invitae), Labcorp
Classification: Uncertain significance for Severe combined immunodeficiency due to IKK2 deficiency. Last evaluated: 2025-09-29. Review status: criteria provided, single submitter. Criteria: Invitae Variant Classification Sherloc (09022015). Collection method: clinical testing. Allele origin: germline.
Comment: This sequence change replaces glycine, which is neutral and non-polar, with aspartic acid, which is acidic and polar, at codon 379 of the IKBKB protein (p.Gly379Asp). This variant is not present in population databases (gnomAD no frequency). This variant has not been reported in the literature in individuals affected with IKBKB-related conditions. Invitae Evidence Modeling of protein sequence and biophysical properties (such as structural, functional, and spatial information, amino acid conservation, physicochemical variation, residue mobility, and thermodynamic stability) indicates that this missense variant is not expected to disrupt IKBKB protein function with a negative predictive value of 95%. In summary, the available evidence is currently insufficient to determine the role of this variant in disease. Therefore, it has been classified as a Variant of Uncertain Significance.